The following is an entry in ClinVar:

ClinVar aggregate classification (germline): Uncertain significance (1 of 4 stars; one submission).

Allele frequency attached by ClinVar (database versions not stated): gnomAD exomes below 0.00001.
gnomAD v4.1: 2 of 1,613,138 alleles (0.00012%); highest among the groups gnomAD compares: Non-Finnish European, 0.00017%; no homozygotes.

Submission:

Ambry Genetics
Classification: Uncertain significance. Last evaluated: 2024-07-05. Review status: criteria provided, single submitter. Criteria: Ambry Variant Classification Scheme 2023. Collection method: clinical testing. Allele origin: germline.
Comment: The p.C344F variant (also known as c.1031G>T), located in coding exon 2 of the PALLD gene, results from a G to T substitution at nucleotide position 1031. The cysteine at codon 344 is replaced by phenylalanine, an amino acid with highly dissimilar properties. This amino acid position is conserved. In addition, this alteration is predicted to be deleterious by in silico analysis. Since supporting evidence is limited at this time, the clinical significance of this alteration remains unclear.

NM_001166108.2(PALLD):c.1031G>T (p.Cys344Phe)

Gene: PALLD (palladin, cytoskeletal associated protein; plus strand). Cytogenetic location: 4q32.3.
Variant type: single nucleotide variant.
Coding change: c.1031G>T on transcript NM_001166108.2 (MANE Select); coding-DNA position 1031, G replaced by T.
Protein change: p.Cys344Phe; replaces cysteine 344 with phenylalanine.
Molecular consequence: missense variant. On other transcripts: 5 prime UTR variant (1).
Genome position (GRCh38, 1-based): chr4:168,668,312, G>T. VCF-style: chr4-168668312-G-T. GRCh37 (hg19) VCF-style: chr4-169589463-G-T.
Other names: c.-116G>T (NM_001166109.2); c.1031G>T, p.Cys344Phe (NM_016081.4); short protein forms C344F.
Identifiers: ClinVar variation 1771341 (VCV001771341.3), dbSNP rs1250609803, ClinGen allele CA358793842.